The following is an entry in ClinVar:

ClinVar aggregate classification (germline): Conflicting classifications of pathogenicity. Review status: criteria provided, conflicting classifications (1 of 4 stars). 7 submissions from 5 submitters: Uncertain significance (2); Benign (1); Likely benign (3). 1 of the submissions does not count toward it. Last evaluated 2026-06-05.

Conditions:
KIT-related disorder. Also called: KIT-related condition.
Mastocytosis. Also called: Mast Cell Disease. Identifiers: Orphanet 98292, MedGen C0024899, MONDO:0007950, HP:0100495.
Piebaldism. Also called: Piebald skin depigmentation. Identifiers: Orphanet 2884, MedGen C0080024, MONDO:0008244, OMIM 172800, HP:0007544.
Gastrointestinal stromal tumor. Also called: Gastrointestinal stroma tumor; Gastrointestinal stromal tumor, somatic. Identifiers: Orphanet 44890, MedGen C0238198, MeSH D046152, MONDO:0011719, OMIM 606764, HP:0100723.

Allele frequency attached by ClinVar (database versions not stated): gnomAD 0.00004 and 0.00005; TOPMed 0.00005; ExAC 0.00007; gnomAD exomes 0.00007 and 0.00008; ESP Exome Variant Server 0.00008.
gnomAD v4.1: 109 of 1,570,446 alleles (0.0069%); highest among the groups gnomAD compares: South Asian, 0.027%; no homozygotes.

Submissions (7):

Myriad Genetics, Inc.
Classification: Benign for Gastrointestinal stromal tumor. Last evaluated: 2026-06-05. Review status: criteria provided, single submitter. Criteria: Myriad Autosomal Dominant, Autosomal Recessive and X-Linked Classification Criteria (2023). Collection method: clinical testing. Allele origin: unknown.
Comment: This variant is considered benign. This variant is intronic and is not expected to impact mRNA splicing. This variant has been observed at a population frequency that is significantly greater than expected given the associated disease prevalence and penetrance.

Labcorp Genetics (formerly Invitae), Labcorp
Classification: Likely benign for Gastrointestinal stromal tumor. Last evaluated: 2026-02-02. Review status: criteria provided, single submitter. Criteria: Invitae Variant Classification Sherloc (09022015). Collection method: clinical testing. Allele origin: germline.

Blueprint Genetics
Classification: Likely benign. Last evaluated: 2024-03-14. Review status: criteria provided, single submitter. Criteria: ACMG Guidelines, 2015. Collection method: clinical testing. Allele origin: germline.

Illumina Laboratory Services, Illumina
Classification: Likely benign for Cutaneous mastocytosis. Last evaluated: 2018-01-12. Review status: criteria provided, single submitter. Criteria: ICSL Variant Classification Criteria 13 December 2019. Collection method: clinical testing. Allele origin: germline.
Comment: This variant was observed in the ICSL laboratory as part of a predisposition screen in an ostensibly healthy population. It had not been previously curated by ICSL or reported in the Human Gene Mutation Database (HGMD: prior to June 1st, 2018), and was therefore a candidate for classification through an automated scoring system. Utilizing variant allele frequency, disease prevalence and penetrance estimates, and inheritance mode, an automated score was calculated to assess if this variant is too frequent to cause the disease. Based on the score and internal cut-off values, a variant classified as likely benign is not then subjected to further curation. The score for this variant resulted in a classification of likely benign for this disease.

Illumina Laboratory Services, Illumina
Classification: Uncertain significance for Piebaldism. Last evaluated: 2018-01-12. Review status: criteria provided, single submitter. Criteria: ICSL Variant Classification Criteria 13 December 2019. Collection method: clinical testing. Allele origin: germline.

Illumina Laboratory Services, Illumina
Classification: Uncertain significance for Gastrointestinal stromal tumor. Last evaluated: 2018-01-12. Review status: criteria provided, single submitter. Criteria: ICSL Variant Classification Criteria 13 December 2019. Collection method: clinical testing. Allele origin: germline.

PreventionGenetics, part of Exact Sciences
Classification: Likely benign for KIT-related condition. Last evaluated: 2022-02-21. Review status: no assertion criteria provided. Collection method: clinical testing. Allele origin: germline. Not counted in ClinVar's aggregate classification.
Comment: This variant is classified as likely benign based on ACMG/AMP sequence variant interpretation guidelines (Richards et al. 2015 PMID: 25741868, with internal and published modifications).

NM_000222.3(KIT):c.2802+9A>G

Gene: KIT (KIT proto-oncogene, receptor tyrosine kinase; plus strand). Cytogenetic location: 4q12.
Variant type: single nucleotide variant.
Coding change: c.2802+9A>G on transcript NM_000222.3 (MANE Select); 9 bases into the intron after coding-DNA position 2802, A replaced by G.
Molecular consequence: intron variant.
Genome position (GRCh38, 1-based): chr4:54,737,289, A>G. VCF-style: chr4-54737289-A-G. GRCh37 (hg19) VCF-style: chr4-55603455-A-G.
Other names: c.2805+9A>G (NM_001385284.1); c.2802+9A>G (NM_001385290.1); c.2793+9A>G (NM_001385288.1); c.2790+9A>G (NM_001385292.1, NM_001093772.2); c.2799+9A>G (NM_001385285.1); c.2787+9A>G (NM_001385286.1).
Identifiers: ClinVar variation 237270 (VCV000237270.21), dbSNP rs369450271, ClinGen allele CA2923857.
Genomic context (GRCh38, chr4:54,737,289, plus strand): 5'-CAAGCAAATTGTTCAGCTAATTGAGAAGCAGATTTCAGAGAGCACCAATCATGTGAGTAT[A>G]CCCTGGCCAGGCATAGAATCCCCCTTCTCCCAGTTCCAGGTGTGTCCTCCTCCTCAGGCT-3'